The following is an entry in ClinVar:

ClinVar aggregate classification (germline): Pathogenic (1 of 4 stars; one submission).

Submission:

Labcorp Genetics (formerly Invitae), Labcorp
Classification: Pathogenic. Last evaluated: 2021-12-06. Review status: criteria provided, single submitter. Criteria: Invitae Variant Classification Sherloc (09022015). Collection method: clinical testing. Allele origin: germline.
Comment: This sequence change creates a premature translational stop signal (p.Ala524Serfs*22) in the COL2A1 gene. It is expected to result in an absent or disrupted protein product. Loss-of-function variants in COL2A1 are known to be pathogenic (PMID: 20179744). This variant is not present in population databases (gnomAD no frequency). This variant has not been reported in the literature in individuals affected with COL2A1-related conditions. For these reasons, this variant has been classified as Pathogenic.

Literature cited by the submitters: PubMed 20179744.

NM_001844.5(COL2A1):c.1570_1574del (p.Ala524fs)

Gene: COL2A1 (collagen type II alpha 1 chain; minus strand). Cytogenetic location: 12q13.11.
Variant type: Deletion.
Coding change: c.1570_1574del on transcript NM_001844.5 (MANE Select); coding-DNA positions 1570 to 1574, 5 bases deleted (GCAGG; older notation c.1570_1574delGCAGG).
Protein change: p.Ala524fs; shifts the reading frame from alanine 524.
Molecular consequence: frameshift variant.
Genome position (GRCh38, 1-based): chr12:47,985,919-47,985,923, CCTGC deleted on the plus strand (GCAGG on the coding strand, the reverse complement: COL2A1 is on the minus strand); deleting any 5 consecutive bases within chr12:47,985,919-47,985,924 gives the same sequence; the c. name uses the placement nearest the transcript's 3' end. VCF-style (leftmost placement, unchanged base first): chr12-47985918-ACCTGC-A. GRCh37 (hg19) VCF-style: chr12-48379701-ACCTGC-A.
Other names: c.1363_1367del, p.Ala455fs (NM_033150.3); short protein forms A524fs, A455fs.
Identifiers: ClinVar variation 1453020 (VCV001453020.6), dbSNP rs2136568573, ClinGen allele CA2573148623.